The following is an entry in ClinVar:

ClinVar aggregate classification (germline): Uncertain significance (1 of 4 stars; one submission).

Submission:

GeneDx
Classification: Uncertain significance. Last evaluated: 2025-05-02. Review status: criteria provided, single submitter. Criteria: GeneDx Variant Classification Process June 2021. Collection method: clinical testing. Allele origin: germline. Affected: yes.
Comment: Not observed at significant frequency in large population cohorts (gnomAD); In silico analysis suggests that this missense variant does not alter protein structure/function; In silico analysis suggests this variant may impact gene splicing. In the absence of RNA/functional studies, the actual effect of this sequence change is unknown.; Has not been previously published as pathogenic or benign to our knowledge

NM_207037.2(TCF12):c.844G>C (p.Val282Leu)

Gene: TCF12 (transcription factor 12; plus strand). Cytogenetic location: 15q21.3.
Variant type: single nucleotide variant.
Coding change: c.844G>C on transcript NM_207037.2 (MANE Select); coding-DNA position 844, G replaced by C.
Protein change: p.Val282Leu; replaces valine 282 with leucine.
Molecular consequence: missense variant.
Genome position (GRCh38, 1-based): chr15:57,232,730, G>C. VCF-style: chr15-57232730-G-C. GRCh37 (hg19) VCF-style: chr15-57524928-G-C.
Other names: c.187G>C, p.Val63Leu (NM_001322154.2); c.670G>C, p.Val224Leu (NM_001322156.2, NM_001322158.2); c.844G>C, p.Val282Leu (NM_001322157.3, NM_001322159.3, NM_001322161.2 and 7 more transcripts); c.880G>C, p.Val294Leu (NM_001322164.2); c.334G>C, p.Val112Leu (NM_207040.2, NM_001306219.3); c.136G>C, p.Val46Leu (NM_001306220.3); short protein forms V112L, V224L, V282L, V294L, V46L, V63L.
Identifiers: ClinVar variation 4528077 (VCV004528077.1).
Genomic context (GRCh38, chr15:57,232,730, plus strand): 5'-TTCAGAAAATATATTTAATAGATCATATCTCTTTCCATCTAGAGTTATCCTCCACACTCA[G>C]TTTCACCAACAGACATAAACACGAGTCTTCCACCAATGTCCAGCTTTCATCGCGGCAGTA-3'
Protein context (NP_996920.1, residues 272-292): HDRLSYPPHS[Val282Leu]SPTDINTSLP